The following is an entry in ClinVar:

ClinVar aggregate classification (germline): Pathogenic. Review status: reviewed by expert panel (3 of 4 stars). 2 submissions from 2 submitters: Pathogenic (1). 1 of the submissions does not count toward it. Last evaluated 2016-10-18.

Conditions:
Breast-ovarian cancer, familial, susceptibility to, 2 (BROVCA2). Also called: BRCA2 Hereditary Breast and Ovarian Cancer. Identifiers: Orphanet 145, MedGen C2675520, MONDO:0012933, OMIM 612555. Disease mechanism: loss of function.

Submissions (2):

Evidence-based Network for the Interpretation of Germline Mutant Alleles (ENIGMA)
Classification: Pathogenic for Breast-ovarian cancer, familial, susceptibility to, 2. Last evaluated: 2016-10-18. Review status: reviewed by expert panel. Criteria: ENIGMA BRCA1/2 Classification Criteria (2015). Collection method: curation. Allele origin: germline.
Comment: Variant allele predicted to encode a truncated non-functional protein.

Consortium of Investigators of Modifiers of BRCA1/2 (CIMBA), c/o University of Cambridge
Classification: Pathogenic for Breast-ovarian cancer, familial, susceptibility to, 2. Last evaluated: 2015-10-02. Review status: criteria provided, single submitter. Criteria: CIMBA Mutation Classification guidelines May 2016. Collection method: clinical testing. Allele origin: germline. Not counted in ClinVar's aggregate classification.

NM_000059.4(BRCA2):c.9311dup (p.Phe3105fs)

Gene: BRCA2 (BRCA2 DNA repair associated; plus strand). Cytogenetic location: 13q13.1.
Variant type: Duplication.
Coding change: c.9311dup on transcript NM_000059.4 (MANE Select); coding-DNA position 9311, one base duplicated (A; older notation c.9311dupA).
Protein change: p.Phe3105fs; shifts the reading frame from phenylalanine 3105.
Molecular consequence: frameshift variant.
Genome position (GRCh38, 1-based): chr13:32,394,743, A duplicated; the last of 3 consecutive A bases (chr13:32,394,741-32,394,743); duplicating any one gives the same sequence. VCF-style (leftmost placement, unchanged base first): chr13-32394740-T-TA. GRCh37 (hg19) VCF-style: chr13-32968877-T-TA.
Other names: 9536_9537insA; short protein forms F3105fs.
Identifiers: ClinVar variation 267151 (VCV000267151.5), dbSNP rs80359756, ClinGen allele CA10589557.